The following is an entry in ClinVar:

ClinVar aggregate classification (germline): Likely benign. Review status: criteria provided, single submitter (1 of 4 stars). 2 submissions from 2 submitters: Likely benign (1). 1 of the submissions does not count toward it. Last evaluated 2023-03-28.

Conditions:
ATP8B1-related disorder. Also called: ATP8B1-related disorders; ATP8B1-related condition.

Submissions (2):

Labcorp Genetics (formerly Invitae), Labcorp
Classification: Likely benign. Last evaluated: 2023-03-28. Review status: criteria provided, single submitter. Criteria: Invitae Variant Classification Sherloc (09022015). Collection method: clinical testing. Allele origin: germline.

PreventionGenetics, part of Exact Sciences
Classification: Likely benign for ATP8B1-related condition. Last evaluated: 2022-02-08. Review status: no assertion criteria provided. Collection method: clinical testing. Allele origin: germline. Not counted in ClinVar's aggregate classification.
Comment: This variant is classified as likely benign based on ACMG/AMP sequence variant interpretation guidelines (Richards et al. 2015 PMID: 25741868, with internal and published modifications).

NM_001374385.1(ATP8B1):c.426C>T (p.Tyr142=)

Gene: ATP8B1 (ATPase phospholipid transporting 8B1; minus strand). Cytogenetic location: 18q21.31.
Variant type: single nucleotide variant.
Coding change: c.426C>T on transcript NM_001374385.1 (MANE Select); coding-DNA position 426, C replaced by T.
Protein change: p.Tyr142=; no amino-acid change (tyrosine 142 retained).
Molecular consequence: synonymous variant.
Genome position (GRCh38, 1-based): chr18:57,701,281, G>A on the plus strand (C>T on the coding strand, the complement: ATP8B1 is on the minus strand). VCF-style: chr18-57701281-G-A. GRCh37 (hg19) VCF-style: chr18-55368513-G-A.
Other names: c.276C>T, p.Tyr92= (NM_001374386.1); c.426C>T, p.Tyr142= (NM_005603.6); c.426C>T (NM_005603.4).
Identifiers: ClinVar variation 2842226 (VCV002842226.5), dbSNP rs2511791431, ClinGen allele CA504011675.